The following is an entry in ClinVar:

ClinVar aggregate classification (germline): Pathogenic (1 of 4 stars; one submission).

Conditions:
Neurodevelopmental disorder. Identifiers: MedGen C1535926, MeSH D065886, MONDO:0700092.

Submission:

Broad Center for Mendelian Genomics, Broad Institute of MIT and Harvard
Classification: Pathogenic for Neurodevelopmental disorder. Last evaluated: 2023-08-24. Review status: criteria provided, single submitter. Criteria: ACMG/ClinGen CNV Guidelines, 2019. Collection method: research. Allele origin: de novo. Inheritance: Autosomal dominant inheritance. Affected: yes.
Comment: These breakpoints have been estimated by exome sequencing only and therefore may not reflect the true breakpoints. The patient phenotype is nonspecific, but is consistent with cases described in the literature and/or published databases with overlapping variants. There are no known triplosensitive genes contained within the duplicated region, but a triplosensitivity predictor suggests that multiple genes (PHOX2B, CTBP1, NKX1-1, HTT, RBPJ, PDS5A, RGS12) included in this duplication are triplosensitive. In summary, the 4p16.3-p11 duplication meets criteria to be classified as pathogenic. The ACMG/ClinGen evidence codes and points used in this curation are as follows: 1: 0 points, 2: 0 points, 3: 0.90 points, 4-5: 0.15 points; Total: 1.05 points; Riggs 2020 (PMID: 31690835).

GRCh38/hg38 4p16.3-11(chr4:1-49062177)x3

Genes: SLBP (stem-loop histone mRNA binding protein; minus strand), SLC10A4 (solute carrier family 10 member 4; plus strand), SLC26A1 (solute carrier family 26 member 1; minus strand), SLC2A9 (solute carrier family 2 member 9; minus strand), SLC2A9-AS1 (SLC2A9 antisense RNA 1; plus strand) and 1286 more. Cytogenetic location: 4p16.3-11.
Variant type: copy number gain.
Change: copy number 3 (three copies instead of two) of chr4:1-49,062,177 (49.06 Mb, GRCh38 coordinates, 1-based), cytogenetic band 4p16.3-11.
Identifiers: ClinVar variation 2579172 (VCV002579172.1).